The following is an entry in ClinVar:

NM_001267550.2(TTN):c.103280T>C (p.Leu34427Ser)

Genes: TTN (titin; minus strand), TTN-AS1 (TTN antisense RNA 1; plus strand). Cytogenetic location: 2q31.2.
Variant type: single nucleotide variant.
Coding change: c.103280T>C on transcript NM_001267550.2 (MANE Select); coding-DNA position 103280, T replaced by C.
Protein change: p.Leu34427Ser; replaces leucine 34427 with serine.
Molecular consequence: missense variant.
Genome position (GRCh38, 1-based): chr2:178,533,335, A>G on the plus strand (T>C on the coding strand, the complement: TTN is on the minus strand). VCF-style: chr2-178533335-A-G. GRCh37 (hg19) VCF-style: chr2-179398062-A-G.
Other names: c.98357T>C, p.Leu32786Ser (NM_001256850.1); c.76085T>C, p.Leu25362Ser (NM_003319.4); c.95576T>C, p.Leu31859Ser (NM_133378.4); c.76460T>C, p.Leu25487Ser (NM_133432.3); c.76661T>C, p.Leu25554Ser (NM_133437.4); short protein forms L31859S, L32786S, L34427S, L25487S, L25362S, L25554S.
Identifiers: ClinVar variation 2924268 (VCV002924268.3), dbSNP rs759702754, ClinGen allele CA1985630.
Genomic context (GRCh38, chr2:178,533,335, plus strand): 5'-CAGCTGGTGGACCCAGCTGTGTTAGTGGCTGTGACTCTATAATAACCCGTGTCTTCAGGC[A>G]AAGTGTCCCTGATGTGCAGAGCATAATAATCCAAGCCTTCATGGATAATTTCAATGTTAG-3'
Protein context (NP_001254479.2, residues 34417-34437): DYYALHIRDT[Leu34427Ser]PEDTGYYRVT

ClinVar aggregate classification (germline): Uncertain significance (1 of 4 stars; one submission).

Conditions:
Dilated cardiomyopathy 1G (CMD1G). Identifiers: Orphanet 154, MedGen C1858763, MONDO:0011400, OMIM 604145.
Autosomal recessive limb-girdle muscular dystrophy type 2J (LGMDR10). Also called: Limb-girdle muscular dystrophy, type 2J; MUSCULAR DYSTROPHY, LIMB-GIRDLE, AUTOSOMAL RECESSIVE 10. Identifiers: Orphanet 140922, MedGen C1837342, MONDO:0012127, OMIM 608807.

Allele frequency attached by ClinVar (database versions not stated): gnomAD exomes below 0.00001; ExAC 0.00001.
gnomAD v4.1: 5 of 1,613,790 alleles (0.00031%); highest among the groups gnomAD compares: South Asian, 0.0055%; no homozygotes.

Submission:

Labcorp Genetics (formerly Invitae), Labcorp
Classification: Uncertain significance for Dilated cardiomyopathy 1G; Autosomal recessive limb-girdle muscular dystrophy type 2J. Last evaluated: 2026-01-19. Review status: criteria provided, single submitter. Criteria: Invitae Variant Classification Sherloc (09022015). Collection method: clinical testing. Allele origin: germline.
Comment: This sequence change replaces leucine, which is neutral and non-polar, with serine, which is neutral and polar, at codon 34427 of the TTN protein (p.Leu34427Ser). This variant is present in population databases (rs759702754, gnomAD 0.003%). This variant has not been reported in the literature in individuals affected with TTN-related conditions. ClinVar contains an entry for this variant (Variation ID: 2924268). Experimental studies and prediction algorithms are not available or were not evaluated, and the functional significance of this variant is currently unknown. This variant is located in the M band of TTN (PMID: 25589632). Non-truncating variants in this region may be relevant for neuromuscular disorders, but have not been definitively shown to cause cardiomyopathy (PMID: 23975875). In summary, the available evidence is currently insufficient to determine the role of this variant in disease. Therefore, it has been classified as a Variant of Uncertain Significance.

Literature cited by the submitters: PubMed 25589632; PubMed 23975875.